The following is an entry in ClinVar:

NM_001349884.2(DRAM2):c.693+2T>A

Gene: DRAM2 (DNA damage regulated autophagy modulator 2; minus strand). Cytogenetic location: 1p13.3.
Variant type: single nucleotide variant.
Coding change: c.693+2T>A on transcript NM_001349884.2 (MANE Select); the canonical splice donor site of the intron after coding-DNA position 693, T replaced by A.
Molecular consequence: splice donor variant.
Genome position (GRCh38, 1-based): chr1:111,118,803, A>T on the plus strand (T>A on the coding strand, the complement: DRAM2 is on the minus strand). VCF-style: chr1-111118803-A-T. GRCh37 (hg19) VCF-style: chr1-111661425-A-T.
Other names: c.693+2T>A (NM_001349885.2, NM_178454.6, NM_001349882.2 and 1 more transcripts); c.303+2T>A (NM_001349889.2, NM_001349890.2, NM_001349891.2 and 2 more transcripts); c.423+2T>A (NM_001349887.2, NM_001349886.2, NM_001349888.2).
Identifiers: ClinVar variation 4813321 (VCV004813321.1).

ClinVar aggregate classification (germline): Likely pathogenic (1 of 4 stars; one submission).

Conditions:
Retinal disorder. Also called: Retinal disorders; Retinopathies; Retinal Diseases; Retinopathy. Identifiers: MedGen C0035309, MONDO:0005283, HP:0000488.

gnomAD v4.1: 3 of 1,600,210 alleles (0.00019%); highest among the groups gnomAD compares: Non-Finnish European, 0.00026%; no homozygotes.

Submission:

Genetics Laboratory, Great Ormond Street Hospital NHS Foundation Trust, North Thames Genomic Laboratory Hub
Classification: Likely pathogenic for Retinal disorders. Last evaluated: 2026-01-14. Review status: criteria provided, single submitter. Criteria: ACGS Best Practice Guidelines for Variant Classification in Rare Disease 2024 v1.2. Collection method: clinical testing. Allele origin: germline. Affected: yes.
Comment: PM2_moderate, PVS1_strong, PM3_supporting